The following is an entry in ClinVar:

NM_000218.3(KCNQ1):c.1514+50C>G

Genes: KCNQ1OT1 (KCNQ1 opposite strand/antisense transcript 1; minus strand), KCNQ1 (potassium voltage-gated channel subfamily Q member 1; plus strand). Cytogenetic location: 11p15.5.
Variant type: single nucleotide variant.
Coding change: c.1514+50C>G on transcript NM_000218.3 (MANE Select); 50 bases into the intron after coding-DNA position 1514, C replaced by G.
Molecular consequence: intron variant.
Genome position (GRCh38, 1-based): chr11:2,662,131, C>G. VCF-style: chr11-2662131-C-G. GRCh37 (hg19) VCF-style: chr11-2683361-C-G.
Other names: c.1244+50C>G (NM_001406837.1); c.1418+50C>G (NM_001406836.1); c.974+50C>G (NM_001406838.1); c.1133+50C>G (NM_181798.2).
Identifiers: ClinVar variation 2498489 (VCV002498489.28), dbSNP rs199948521, ClinGen allele CA030404.
Genomic context (GRCh38, chr11:2,662,131, plus strand): 5'-CACATCTCACAGTGAGTGCCTACATGTGCGTGAAGGGCTGGGCTGGAGGGGACTGGAGCT[C>G]AAGGAGTCAGACTTGGTGCTGGGGAAGCCTTGCTCTCTGGCCAGAGTGCTATCTACTCGC-3'

ClinVar aggregate classification (germline): Likely benign (1 of 4 stars; one submission).

Allele frequency attached by ClinVar (database versions not stated): ExAC 0.00120; 1000 Genomes Project 30x 0.00125; 1000 Genomes Project 0.00140; gnomAD 0.00147; TOPMed 0.00162; gnomAD exomes 0.00200; ESP Exome Variant Server 0.00231.
gnomAD v4.1: 3,124 of 1,612,112 alleles (0.19%); highest among the groups gnomAD compares: Non-Finnish European, 0.23%; 7 homozygotes.

Submission:

CeGaT Center for Human Genetics Tuebingen
Classification: Likely benign. Last evaluated: 2026-08-01. Review status: criteria provided, single submitter. Criteria: CeGaT Center For Human Genetics Tuebingen Variant Classification Criteria Version 2. Collection method: clinical testing. Allele origin: germline. Affected: yes. Observed: 11 variant alleles.
Comment: KCNQ1OT1: BS1